The following is an entry in ClinVar:

NM_001110556.2(FLNA):c.3664A>G (p.Ile1222Val)

Gene: FLNA (filamin A; minus strand). Cytogenetic location: Xq28.
Variant type: single nucleotide variant.
Coding change: c.3664A>G on transcript NM_001110556.2 (MANE Select); coding-DNA position 3664, A replaced by G.
Protein change: p.Ile1222Val; replaces isoleucine 1222 with valine.
Molecular consequence: missense variant.
Genome position (GRCh38, 1-based): chrX:154,360,131, T>C on the plus strand (A>G on the coding strand, the complement: FLNA is on the minus strand). VCF-style: chrX-154360131-T-C. GRCh37 (hg19) VCF-style: chrX-153588499-T-C.
Other names: c.3664A>G, p.Ile1222Val (NM_001456.4); short protein forms I1222V.
Identifiers: ClinVar variation 2117552 (VCV002117552.4), dbSNP rs2522740625, ClinGen allele CA415223522.

ClinVar aggregate classification (germline): Uncertain significance (1 of 4 stars; one submission).

Conditions:
Melnick-Needles syndrome (MNS). Also called: MELNICK-NEEDLES OSTEODYSPLASTY; OSTEODYSPLASTY OF MELNICK AND NEEDLES; Melnick-Needles Syndrome (FLNA-MNS). Identifiers: Orphanet 2484, MedGen C0025237, MONDO:0010650, OMIM 309350.
Heterotopia, periventricular, X-linked dominant (PVNH1). Also called: PERIVENTRICULAR NODULAR HETEROTOPIA 1; X-linked periventricular heterotopia; PERIVENTRICULAR NODULAR HETEROTOPIA 4; HETEROTOPIA, PERIVENTRICULAR, 1. Identifiers: Orphanet 2149, Orphanet 82004, MedGen C1848213, MONDO:0010233, OMIM 300049.
Frontometaphyseal dysplasia (FMD1). Identifiers: Orphanet 1826, MedGen C0265293, MONDO:0015942.
Oto-palato-digital syndrome, type II (OPD2). Also called: FACIOPALATOOSSEOUS SYNDROME; OPD II SYNDROME; Otopalatodigital Syndrome Type 2 (FLNA-OPD2); Otopalatodigital Syndrome, Type II. Identifiers: Orphanet 669, Orphanet 90652, MedGen C1844696, MONDO:0010571, OMIM 304120.

Allele frequency attached by ClinVar (database versions not stated): gnomAD exomes below 0.00001.
gnomAD v4.1: 2 of 1,210,032 alleles (0.00017%); highest among the groups gnomAD compares: South Asian, 0.0018%; no homozygotes.

Submission:

Labcorp Genetics (formerly Invitae), Labcorp
Classification: Uncertain significance for Oto-palato-digital syndrome, type II; Heterotopia, periventricular, X-linked dominant; Frontometaphyseal dysplasia; Melnick-Needles syndrome. Last evaluated: 2022-03-26. Review status: criteria provided, single submitter. Criteria: Invitae Variant Classification Sherloc (09022015). Collection method: clinical testing. Allele origin: germline.
Comment: In summary, the available evidence is currently insufficient to determine the role of this variant in disease. Therefore, it has been classified as a Variant of Uncertain Significance. Advanced modeling of protein sequence and biophysical properties (such as structural, functional, and spatial information, amino acid conservation, physicochemical variation, residue mobility, and thermodynamic stability) performed at Invitae indicates that this missense variant is not expected to disrupt FLNA protein function. This variant has not been reported in the literature in individuals affected with FLNA-related conditions. This variant is not present in population databases (gnomAD no frequency). This sequence change replaces isoleucine, which is neutral and non-polar, with valine, which is neutral and non-polar, at codon 1222 of the FLNA protein (p.Ile1222Val).